The following is an entry in ClinVar:

ClinVar aggregate classification (germline): Uncertain significance (1 of 4 stars; one submission).

Conditions:
Early-infantile DEE. Also called: Early infantile epileptic encephalopathy with suppression bursts; Early infantile epileptic encephalopathy; Ohtahara syndrome. Identifiers: Orphanet 1934, MedGen C0393706, MONDO:0800491.

Submission:

Labcorp Genetics (formerly Invitae), Labcorp
Classification: Uncertain significance for Early-infantile DEE. Last evaluated: 2023-06-10. Review status: criteria provided, single submitter. Criteria: Invitae Variant Classification Sherloc (09022015). Collection method: clinical testing. Allele origin: germline.
Comment: This variant has not been reported in the literature in individuals affected with SCN8A-related conditions. This variant is not present in population databases (gnomAD no frequency). This sequence change replaces glutamic acid, which is acidic and polar, with aspartic acid, which is acidic and polar, at codon 670 of the SCN8A protein (p.Glu670Asp). Advanced modeling of protein sequence and biophysical properties (such as structural, functional, and spatial information, amino acid conservation, physicochemical variation, residue mobility, and thermodynamic stability) performed at Invitae indicates that this missense variant is not expected to disrupt SCN8A protein function. In summary, the available evidence is currently insufficient to determine the role of this variant in disease. Therefore, it has been classified as a Variant of Uncertain Significance.

NM_001330260.2(SCN8A):c.2010G>C (p.Glu670Asp)

Gene: SCN8A (sodium voltage-gated channel alpha subunit 8; plus strand). Cytogenetic location: 12q13.13.
Variant type: single nucleotide variant.
Coding change: c.2010G>C on transcript NM_001330260.2 (MANE Select); coding-DNA position 2010, G replaced by C.
Protein change: p.Glu670Asp; replaces glutamic acid 670 with aspartic acid.
Molecular consequence: missense variant.
Genome position (GRCh38, 1-based): chr12:51,745,914, G>C. VCF-style: chr12-51745914-G-C. GRCh37 (hg19) VCF-style: chr12-52139698-G-C.
Other names: c.2010G>C, p.Glu670Asp (NM_001177984.3, NM_001369788.1, NM_014191.4); short protein forms E670D.
Identifiers: ClinVar variation 2708342 (VCV002708342.3), dbSNP rs2540231930, ClinGen allele CA384878240.